The following is an entry in ClinVar:

ClinVar aggregate classification (germline): Uncertain significance (1 of 4 stars; one submission).

Allele frequency attached by ClinVar (database versions not stated): TOPMed below 0.00001; ExAC 0.00001; gnomAD 0.00001; gnomAD exomes 0.00001.
gnomAD v4.1: 19 of 1,523,940 alleles (0.0012%); highest among the groups gnomAD compares: East Asian, 0.0022%; no homozygotes.

Submission:

Labcorp Genetics (formerly Invitae), Labcorp
Classification: Uncertain significance. Last evaluated: 2021-08-16. Review status: criteria provided, single submitter. Criteria: Invitae Variant Classification Sherloc (09022015). Collection method: clinical testing. Allele origin: germline.
Comment: Algorithms developed to predict the effect of sequence changes on RNA splicing suggest that this variant may create or strengthen a splice site. This variant has not been reported in the literature in individuals affected with ORC6-related conditions. This variant is present in population databases (rs781255515, ExAC 0.002%). This sequence change falls in intron 3 of the ORC6 gene. It does not directly change the encoded amino acid sequence of the ORC6 protein. In summary, the available evidence is currently insufficient to determine the role of this variant in disease. Therefore, it has been classified as a Variant of Uncertain Significance.

NM_014321.4(ORC6):c.360-16A>G

Gene: ORC6 (origin recognition complex subunit 6; plus strand). Cytogenetic location: 16q11.2.
Variant type: single nucleotide variant.
Coding change: c.360-16A>G on transcript NM_014321.4 (MANE Select); 16 bases into the intron before coding-DNA position 360, A replaced by G.
Molecular consequence: intron variant.
Genome position (GRCh38, 1-based): chr16:46,693,077, A>G. VCF-style: chr16-46693077-A-G. GRCh37 (hg19) VCF-style: chr16-46726989-A-G.
Identifiers: ClinVar variation 1406633 (VCV001406633.6), dbSNP rs781255515, ClinGen allele CA8037368.